The following is an entry in ClinVar:

ClinVar aggregate classification (germline): Uncertain significance. Review status: criteria provided, multiple submitters, no conflicts (2 of 4 stars). 2 submissions from 2 submitters: Uncertain significance (2). Last evaluated 2025-08-31.

Conditions:
Familial melanoma. Also called: Hereditary melanoma; Hereditary cutaneous melanoma. Identifiers: Orphanet 618, MedGen C1512419, MONDO:0018961.
Hereditary cancer-predisposing syndrome. Also called: Neoplastic Syndromes, Hereditary; Hereditary Cancer Syndrome; Tumor predisposition; Hereditary neoplastic syndrome. Identifiers: Orphanet 140162, MedGen C0027672, MeSH D009386, MONDO:0015356.

Allele frequency attached by ClinVar (database versions not stated): gnomAD exomes below 0.00001.
gnomAD v4.1: 1 of 1,596,036 alleles (0.000063%); highest among the groups gnomAD compares: Non-Finnish European, 0.000085%; no homozygotes.

Submissions (2):

Labcorp Genetics (formerly Invitae), Labcorp
Classification: Uncertain significance for Familial melanoma. Last evaluated: 2025-08-31. Review status: criteria provided, single submitter. Criteria: Invitae Variant Classification Sherloc (09022015). Collection method: clinical testing. Allele origin: germline.
Comment: The CDKN2A gene encodes two different proteins, p16INK4a and p14ARF, which are translated from alternative transcripts with different open reading frames. Both transcripts have been analyzed. We report either the variant with the higher classification or default to the CDKN2A (p16INK4a) variant. This report therefore includes the details for the CDKN2A (p16INK4a) variant. This sequence change replaces glutamic acid, which is acidic and polar, with aspartic acid, which is acidic and polar, at codon 61 of the CDKN2A (p16INK4a) protein (p.Glu61Asp). This variant is not present in population databases (gnomAD no frequency). This variant has not been reported in the literature in individuals affected with CDKN2A (p16INK4a)-related conditions. This variant is also known as c.226G>C (p.Ala76Pro) in the CDKN2A (p14ARF) transcript. ClinVar contains an entry for this variant (Variation ID: 236982). An algorithm developed to predict the effect of missense changes on protein structure and function (PolyPhen-2) suggests that this variant is likely to be tolerated. In summary, the available evidence is currently insufficient to determine the role of this variant in disease. Therefore, it has been classified as a Variant of Uncertain Significance.

Ambry Genetics
Classification: Uncertain significance for Hereditary cancer-predisposing syndrome. Last evaluated: 2024-12-04. Review status: criteria provided, single submitter. Criteria: Ambry Variant Classification Scheme 2023. Collection method: clinical testing. Allele origin: germline.
Comment: The p.E61D variant (also known as c.183G>C), located in coding exon 2 of the CDKN2A gene, results from a G to C substitution at nucleotide position 183. The glutamic acid at codon 61 is replaced by aspartic acid, an amino acid with highly similar properties. This amino acid position is not well conserved in available vertebrate species. In addition, the in silico prediction for this alteration is inconclusive. Of note, this alteration is also known as c.226G>C p.A76P in the p14(ARF) isoform. Based on the available evidence, the clinical significance of this variant remains unclear.

NM_000077.5(CDKN2A):c.183G>C (p.Glu61Asp)

Gene: CDKN2A (cyclin dependent kinase inhibitor 2A; minus strand). Cytogenetic location: 9p21.3.
Variant type: single nucleotide variant.
Coding change: c.183G>C on transcript NM_000077.5; coding-DNA position 183, G replaced by C.
Protein change: p.Glu61Asp; replaces glutamic acid 61 with aspartic acid.
Molecular consequence: missense variant (on NM_000077.6). On other transcripts: 3 prime UTR variant (1).
Genome position (GRCh38, 1-based): chr9:21,971,176, C>G on the plus strand (G>C on the coding strand, the complement: CDKN2A is on the minus strand). VCF-style: chr9-21971176-C-G. GRCh37 (hg19) VCF-style: chr9-21971175-C-G.
Other names: c.183G>C, p.Glu61Asp (NM_000077.6, NM_001195132.2); c.30G>C, p.Glu10Asp (NM_001363763.2); c.226G>C, p.Ala76Pro (NM_058195.4); c.*106G>C (NM_058197.5); short protein forms A76P, E61D, E10D.
Identifiers: ClinVar variation 236982 (VCV000236982.11), dbSNP rs878853645, ClinGen allele CA10582655.
Genomic context (GRCh38, chr9:21,971,176, plus strand): 5'-GGGTCGGGTGAGAGTGGCGGGGTCGGCGCAGTTGGGCTCCGCGCCGTGGAGCAGCAGCAG[C>G]TCCGCCACTCGGGCGCTGCCCATCATCATGACCTGCCAGAGAGAACAGAATGGTCAGAGC-3'
Protein context (NP_000068.1, residues 51-71): VMMMGSARVA[Glu61Asp]LLLLHGAEPN